The following is an entry in ClinVar:

ClinVar aggregate classification (germline): Uncertain significance (1 of 4 stars; one submission).

Conditions:
Autosomal recessive limb-girdle muscular dystrophy type 2L (LGMDR12). Also called: Limb-Girdle Muscular Dystrophy R12 Anoctamin-5-Related (LGMD-R12); MUSCULAR DYSTROPHY, LIMB-GIRDLE, AUTOSOMAL RECESSIVE 12; Limb-girdle muscular dystrophy, type 2L. Identifiers: Orphanet 206549, MedGen C1969785, MONDO:0012652, OMIM 611307.
Gnathodiaphyseal dysplasia (GDD). Also called: GNATHODIAPHYSEAL SCLEROSIS; OSTEOGENESIS IMPERFECTA WITH UNUSUAL SKELETAL LESIONS. Identifiers: Orphanet 53697, MedGen C1833736, MONDO:0008151, OMIM 166260.

gnomAD v4.1: 1 of 1,613,008 alleles (0.000062%); highest among the groups gnomAD compares: Non-Finnish European, 0.000085%; no homozygotes.

Submission:

Labcorp Genetics (formerly Invitae), Labcorp
Classification: Uncertain significance for Autosomal recessive limb-girdle muscular dystrophy type 2L; Gnathodiaphyseal dysplasia. Last evaluated: 2024-09-26. Review status: criteria provided, single submitter. Criteria: Invitae Variant Classification Sherloc (09022015). Collection method: clinical testing. Allele origin: germline.
Comment: This sequence change replaces aspartic acid, which is acidic and polar, with glycine, which is neutral and non-polar, at codon 860 of the ANO5 protein (p.Asp860Gly). This variant is not present in population databases (gnomAD no frequency). This variant has not been reported in the literature in individuals affected with ANO5-related conditions. Invitae Evidence Modeling of protein sequence and biophysical properties (such as structural, functional, and spatial information, amino acid conservation, physicochemical variation, residue mobility, and thermodynamic stability) has been performed for this missense variant. However, the output from this modeling did not meet the statistical confidence thresholds required to predict the impact of this variant on ANO5 protein function. In summary, the available evidence is currently insufficient to determine the role of this variant in disease. Therefore, it has been classified as a Variant of Uncertain Significance.

NM_213599.3(ANO5):c.2579A>G (p.Asp860Gly)

Gene: ANO5 (anoctamin 5; plus strand). Cytogenetic location: 11p14.3.
Variant type: single nucleotide variant.
Coding change: c.2579A>G on transcript NM_213599.3 (MANE Select); coding-DNA position 2579, A replaced by G.
Protein change: p.Asp860Gly; replaces aspartic acid 860 with glycine.
Molecular consequence: missense variant.
Genome position (GRCh38, 1-based): chr11:22,279,602, A>G. VCF-style: chr11-22279602-A-G. GRCh37 (hg19) VCF-style: chr11-22301148-A-G.
Other names: c.2576A>G, p.Asp859Gly (NM_001142649.2); c.2537A>G, p.Asp846Gly (NM_001410963.1); c.2534A>G, p.Asp845Gly (NM_001410964.1); short protein forms D859G, D845G, D846G, D860G.
Identifiers: ClinVar variation 2929466 (VCV002929466.3), dbSNP rs2494412134, ClinGen allele CA379924970.